The following is an entry in ClinVar:

ClinVar aggregate classification (germline): Likely pathogenic. Review status: criteria provided, multiple submitters, no conflicts (2 of 4 stars). 2 submissions from 2 submitters: Likely pathogenic (2). Last evaluated 2022-11-03.

Conditions:
Hereditary cancer-predisposing syndrome. Also called: Hereditary neoplastic syndrome; Tumor predisposition; Hereditary Cancer Syndrome; Neoplastic Syndromes, Hereditary. Identifiers: Orphanet 140162, MedGen C0027672, MeSH D009386, MONDO:0015356.
Nijmegen breakage syndrome-like disorder (NBSLD). Also called: MICROCEPHALY AND SPONTANEOUS CHROMOSOME INSTABILITY WITHOUT IMMUNODEFICIENCY; NBS-LIKE DISORDER; RAD50 DEFICIENCY. Identifiers: Orphanet 240760, MedGen C2751318, MONDO:0013118, OMIM 613078.

Submissions (2):

Baylor Genetics
Classification: Likely pathogenic for Nijmegen breakage syndrome-like disorder. Last evaluated: 2022-11-03. Review status: criteria provided, single submitter. Criteria: ACMG Guidelines, 2015. Collection method: clinical testing. Allele origin: unknown.

Labcorp Genetics (formerly Invitae), Labcorp
Classification: Likely pathogenic for Hereditary cancer-predisposing syndrome. Last evaluated: 2021-10-06. Review status: criteria provided, single submitter. Criteria: Invitae Variant Classification Sherloc (09022015). Collection method: clinical testing. Allele origin: germline.
Comment: In summary, the currently available evidence indicates that the variant is pathogenic, but additional data are needed to prove that conclusively. Therefore, this variant has been classified as Likely Pathogenic. Donor and acceptor splice site variants typically lead to a loss of protein function (PMID: 16199547), and loss-of-function variants in RAD50 are known to be pathogenic (PMID: 16385572, 19409520). Algorithms developed to predict the effect of sequence changes on RNA splicing suggest that this variant may disrupt the consensus splice site, but this prediction has not been confirmed by published transcriptional studies. This variant has not been reported in the literature in individuals with RAD50-related conditions. This variant is not present in population databases (ExAC no frequency). This sequence change affects a donor splice site in intron 7 of the RAD50 gene. It is expected to disrupt RNA splicing and likely results in an absent or disrupted protein product.

Literature cited by the submitters: PubMed 16199547 (cited by Labcorp Genetics (formerly Invitae), Labcorp); PubMed 16385572 (cited by Labcorp Genetics (formerly Invitae), Labcorp); PubMed 19409520 (cited by Labcorp Genetics (formerly Invitae), Labcorp).

NM_005732.4(RAD50):c.1051+1G>A

Gene: RAD50 (RAD50 double strand break repair protein; plus strand). Cytogenetic location: 5q31.1.
Variant type: single nucleotide variant.
Coding change: c.1051+1G>A on transcript NM_005732.4 (MANE Select); the canonical splice donor site of the intron after coding-DNA position 1051, G replaced by A.
Molecular consequence: splice donor variant.
Genome position (GRCh38, 1-based): chr5:132,588,090, G>A. VCF-style: chr5-132588090-G-A. GRCh37 (hg19) VCF-style: chr5-131923782-G-A.
Identifiers: ClinVar variation 1068061 (VCV001068061.8), dbSNP rs2149840720, ClinGen allele CA360941762.
Genomic context (GRCh38, chr5:132,588,090, plus strand): 5'-AACTAAATAAAGAATCTAGGCTTCTCAATCAGGAAAAATCAGAACTGCTTGTTGAACAGG[G>A]TAGGACAAAATGTTTATTTGGTCGTTTTTCCTACTATGATGTTATACATTTTCTGTATGA-3'